The following is an entry in ClinVar:

ClinVar aggregate classification (germline): Uncertain significance. Review status: criteria provided, multiple submitters, no conflicts (2 of 4 stars). 3 submissions from 3 submitters: Uncertain significance (3). Last evaluated 2025-12-03.

Conditions:
Spondylocostal dysostosis 5 (SCDO5). Also called: SCOLIOSIS, CONGENITAL, WITH OR WITHOUT RIB ANOMALIES. Identifiers: MedGen C4083048, MONDO:0007389, OMIM 122600.

Allele frequency attached by ClinVar (database versions not stated): 1000 Genomes Project 30x 0.00031; TOPMed 0.00037; 1000 Genomes Project 0.00040; gnomAD 0.00048 and 0.00050; ESP Exome Variant Server 0.00054; ExAC 0.00082.
gnomAD v4.1: 1,077 of 1,614,046 alleles (0.067%); highest among the groups gnomAD compares: Non-Finnish European, 0.082%; 1 homozygote.

Submissions (3):

Labcorp Genetics (formerly Invitae), Labcorp
Classification: Uncertain significance. Last evaluated: 2025-12-03. Review status: criteria provided, single submitter. Criteria: Invitae Variant Classification Sherloc (09022015). Collection method: clinical testing. Allele origin: germline.
Comment: This sequence change replaces tryptophan, which is neutral and slightly polar, with cysteine, which is neutral and slightly polar, at codon 233 of the TBX6 protein (p.Trp233Cys). This variant is present in population databases (rs61738521, gnomAD 0.1%), and has an allele count higher than expected for a pathogenic variant. This missense change has been observed in individual(s) with clinical features of TBX6-related conditions (PMID: 27861764, 35846898, 36161696). ClinVar contains an entry for this variant (Variation ID: 1022078). Invitae Evidence Modeling of protein sequence and biophysical properties (such as structural, functional, and spatial information, amino acid conservation, physicochemical variation, residue mobility, and thermodynamic stability) indicates that this missense variant is not expected to disrupt TBX6 protein function with a negative predictive value of 80%. Experimental studies are conflicting or provide insufficient evidence to determine the effect of this variant on TBX6 function (PMID: 28990171, 31015262). In summary, the available evidence is currently insufficient to determine the role of this variant in disease. Therefore, it has been classified as a Variant of Uncertain Significance.

Baylor Genetics
Classification: Uncertain significance for Spondylocostal dysostosis 5. Last evaluated: 2018-11-03. Review status: criteria provided, single submitter. Criteria: ACMG Guidelines, 2015. Collection method: clinical testing. Allele origin: unknown. Affected: yes.
Comment: This variant was determined to be of uncertain significance according to ACMG Guidelines, 2015 [PMID:25741868].

Neuberg Centre For Genomic Medicine, NCGM
Classification: Uncertain significance for Spondylocostal dysostosis 5. Review status: criteria provided, single submitter. Criteria: ACMG Guidelines, 2015. Collection method: clinical testing. Allele origin: germline. Inheritance: Autosomal recessive inheritance. Affected: yes.

Literature cited by the submitters: PubMed 27861764 (cited by Labcorp Genetics (formerly Invitae), Labcorp); PubMed 35846898 (cited by Labcorp Genetics (formerly Invitae), Labcorp); PubMed 36161696 (cited by Labcorp Genetics (formerly Invitae), Labcorp); PubMed 28990171 (cited by Labcorp Genetics (formerly Invitae), Labcorp); PubMed 31015262 (cited by Labcorp Genetics (formerly Invitae), Labcorp).

NM_004608.4(TBX6):c.699G>C (p.Trp233Cys)

Gene: TBX6 (T-box transcription factor 6; minus strand). Cytogenetic location: 16p11.2.
Variant type: single nucleotide variant.
Coding change: c.699G>C on transcript NM_004608.4 (MANE Select); coding-DNA position 699, G replaced by C.
Protein change: p.Trp233Cys; replaces tryptophan 233 with cysteine.
Molecular consequence: missense variant.
Genome position (GRCh38, 1-based): chr16:30,088,762, C>G on the plus strand (G>C on the coding strand, the complement: TBX6 is on the minus strand). VCF-style: chr16-30088762-C-G. GRCh37 (hg19) VCF-style: chr16-30100083-C-G.
Other names: short protein forms W233C.
Identifiers: ClinVar variation 1022078 (VCV001022078.9), dbSNP rs61738521, ClinGen allele CA8001839.